The following is an entry in ClinVar:

NM_198576.4(AGRN):c.1199G>A (p.Arg400Gln)

Gene: AGRN (agrin; plus strand). Cytogenetic location: 1p36.33.
Variant type: single nucleotide variant.
Coding change: c.1199G>A on transcript NM_198576.4 (MANE Select); coding-DNA position 1199, G replaced by A.
Protein change: p.Arg400Gln; replaces arginine 400 with glutamine.
Molecular consequence: missense variant.
Genome position (GRCh38, 1-based): chr1:1,041,977, G>A. VCF-style: chr1-1041977-G-A. GRCh37 (hg19) VCF-style: chr1-977357-G-A.
Other names: c.1199G>A, p.Arg400Gln (NM_001305275.2); c.884G>A, p.Arg295Gln (NM_001364727.2); short protein forms R400Q, R295Q.
Identifiers: ClinVar variation 939344 (VCV000939344.7), dbSNP rs748219640, ClinGen allele CA508072.

ClinVar aggregate classification (germline): Conflicting classifications of pathogenicity. Review status: criteria provided, conflicting classifications (1 of 4 stars). 2 submissions from 2 submitters: Uncertain significance (1); Likely benign (1). Last evaluated 2022-08-16.

Conditions:
Congenital myasthenic syndrome 8. Also called: MYASTHENIC SYNDROME, CONGENITAL, DUE TO AGRIN DEFICIENCY; Myasthenic syndrome, congenital, 8, with pre- and postsynaptic defects. Identifiers: Orphanet 590, MedGen C3808739, MONDO:0014052, OMIM 615120.
Inborn genetic diseases. Identifiers: MedGen C0950123, MeSH D030342.

Allele frequency attached by ClinVar (database versions not stated): ExAC 0.00002; gnomAD 0.00003; TOPMed 0.00003; gnomAD exomes 0.00004 and 0.00006.
gnomAD v4.1: 64 of 1,611,864 alleles (0.004%); highest among the groups gnomAD compares: Middle Eastern, 0.033%; 1 homozygote.

Submissions (2):

Labcorp Genetics (formerly Invitae), Labcorp
Classification: Uncertain significance for Congenital myasthenic syndrome 8. Last evaluated: 2022-08-16. Review status: criteria provided, single submitter. Criteria: Invitae Variant Classification Sherloc (09022015). Collection method: clinical testing. Allele origin: germline.
Comment: This sequence change replaces arginine, which is basic and polar, with glutamine, which is neutral and polar, at codon 400 of the AGRN protein (p.Arg400Gln). This variant is present in population databases (rs748219640, gnomAD 0.02%). This variant has not been reported in the literature in individuals affected with AGRN-related conditions. ClinVar contains an entry for this variant (Variation ID: 939344). Algorithms developed to predict the effect of missense changes on protein structure and function output the following: SIFT: "Tolerated"; PolyPhen-2: "Benign"; Align-GVGD: "Class C0". The glutamine amino acid residue is found in multiple mammalian species, which suggests that this missense change does not adversely affect protein function. In summary, the available evidence is currently insufficient to determine the role of this variant in disease. Therefore, it has been classified as a Variant of Uncertain Significance.

Ambry Genetics
Classification: Likely benign for Inborn genetic diseases. Last evaluated: 2021-10-22. Review status: criteria provided, single submitter. Criteria: Ambry Variant Classification Scheme 2023. Collection method: clinical testing. Allele origin: germline.